The following is an entry in ClinVar:

ClinVar aggregate classification (germline): Uncertain significance (1 of 4 stars; one submission).

Submission:

Labcorp Genetics (formerly Invitae), Labcorp
Classification: Uncertain significance. Last evaluated: 2025-08-29. Review status: criteria provided, single submitter. Criteria: Invitae Variant Classification Sherloc (09022015). Collection method: clinical testing. Allele origin: germline.
Comment: This sequence change replaces asparagine, which is neutral and polar, with histidine, which is basic and polar, at codon 959 of the DUOX2 protein (p.Asn959His). This variant is not present in population databases (gnomAD no frequency). This variant has not been reported in the literature in individuals affected with DUOX2-related conditions. Invitae Evidence Modeling of protein sequence and biophysical properties (such as structural, functional, and spatial information, amino acid conservation, physicochemical variation, residue mobility, and thermodynamic stability) indicates that this missense variant is not expected to disrupt DUOX2 protein function with a negative predictive value of 80%. In summary, the available evidence is currently insufficient to determine the role of this variant in disease. Therefore, it has been classified as a Variant of Uncertain Significance.

NM_001363711.2(DUOX2):c.2875A>C (p.Asn959His)

Gene: DUOX2 (dual oxidase 2; minus strand). Cytogenetic location: 15q21.1.
Variant type: single nucleotide variant.
Coding change: c.2875A>C on transcript NM_001363711.2 (MANE Select); coding-DNA position 2875, A replaced by C.
Protein change: p.Asn959His; replaces asparagine 959 with histidine.
Molecular consequence: missense variant.
Genome position (GRCh38, 1-based): chr15:45,101,251, T>G on the plus strand (A>C on the coding strand, the complement: DUOX2 is on the minus strand). VCF-style: chr15-45101251-T-G. GRCh37 (hg19) VCF-style: chr15-45393449-T-G.
Other names: c.2875A>C, p.Asn959His (NM_014080.5); short protein forms N959H.
Identifiers: ClinVar variation 4743980 (VCV004743980.1).